The following is an entry in ClinVar:

ClinVar aggregate classification (germline): Uncertain significance. Review status: criteria provided, multiple submitters, no conflicts (2 of 4 stars). 2 submissions from 2 submitters: Uncertain significance (2). Last evaluated 2025-07-14.

Conditions:
Osteopathia striata with cranial sclerosis (OSCS). Also called: HYPEROSTOSIS GENERALISATA WITH STRIATIONS. Identifiers: Orphanet 2780, MedGen C0432268, MONDO:0010310, OMIM 300373.

Allele frequency attached by ClinVar (database versions not stated): TOPMed 0.00001.

Submissions (2):

Labcorp Genetics (formerly Invitae), Labcorp
Classification: Uncertain significance. Last evaluated: 2025-07-14. Review status: criteria provided, single submitter. Criteria: Invitae Variant Classification Sherloc (09022015). Collection method: clinical testing. Allele origin: germline.
Comment: This sequence change replaces proline, which is neutral and non-polar, with threonine, which is neutral and polar, at codon 959 of the AMER1 protein (p.Pro959Thr). The frequency data for this variant in the population databases is considered unreliable, as metrics indicate poor data quality at this position in the gnomAD database. This variant has not been reported in the literature in individuals affected with AMER1-related conditions. ClinVar contains an entry for this variant (Variation ID: 1710953). An algorithm developed to predict the effect of missense changes on protein structure and function (PolyPhen-2) suggests that this variant is likely to be tolerated. In summary, the available evidence is currently insufficient to determine the role of this variant in disease. Therefore, it has been classified as a Variant of Uncertain Significance.

St. Jude Molecular Pathology, St. Jude Children's Research Hospital
Classification: Uncertain significance for Osteopathia striata with cranial sclerosis. Last evaluated: 2022-07-07. Review status: criteria provided, single submitter. Criteria: St. Jude Assertion Criteria 2020. Collection method: clinical testing. Allele origin: germline.
Comment: The AMER1 c c.2875C>A (p.Pro959Thr) missense change has a maximum subpopulation frequency of 0.0025% in gnomAD v2.1.1. The in silico tool REVEL predicts a benign effect on protein function, but to our knowledge this prediction has not been confirmed by functional studies. To our knowledge, this variant has not been reported in individuals with osteopathia striata with cranial sclerosis or Wilms tumor. In summary, the evidence currently available is insufficient to determine the clinical significance of this variant. It has therefore been classified as of uncertain significance.

NM_152424.4(AMER1):c.2875C>A (p.Pro959Thr)

Gene: AMER1 (APC membrane recruitment protein 1; minus strand). Cytogenetic location: Xq11.2.
Variant type: single nucleotide variant.
Coding change: c.2875C>A on transcript NM_152424.4 (MANE Select); coding-DNA position 2875, C replaced by A.
Protein change: p.Pro959Thr; replaces proline 959 with threonine.
Molecular consequence: missense variant.
Genome position (GRCh38, 1-based): chrX:64,190,412, G>T on the plus strand (C>A on the coding strand, the complement: AMER1 is on the minus strand). VCF-style: chrX-64190412-G-T. GRCh37 (hg19) VCF-style: chrX-63410292-G-T.
Other names: short protein forms P959T.
Identifiers: ClinVar variation 1710953 (VCV001710953.2), dbSNP rs1435765495, ClinGen allele CA413301986.
Genomic context (GRCh38, chrX:64,190,412, plus strand): 5'-GGTTGGGGCTTATCCAGGCAGGACCTGGCCCCACTGGAAGAGGACAGGGAGCCCAAGCAG[G>T]CCAATCATAGGCCCCTGGGGGTTCAGTATAGAGGGAAAGGGGACTGTCTCGGCTCCATTC-3'
Protein context (NP_689637.3, residues 949-969): YTEPPGAYDW[Pro959Thr]AWAPCPLPVG